The following is an entry in ClinVar:

NM_000059.4(BRCA2):c.9853C>T (p.Pro3285Ser)

Gene: BRCA2 (BRCA2 DNA repair associated; plus strand). Cytogenetic location: 13q13.1.
Variant type: single nucleotide variant.
Coding change: c.9853C>T on transcript NM_000059.4 (MANE Select); coding-DNA position 9853, C replaced by T.
Protein change: p.Pro3285Ser; replaces proline 3285 with serine.
Molecular consequence: missense variant.
Genome position (GRCh38, 1-based): chr13:32,398,366, C>T. VCF-style: chr13-32398366-C-T. GRCh37 (hg19) VCF-style: chr13-32972503-C-T.
Other names: short protein forms P3285S.
Identifiers: ClinVar variation 485442 (VCV000485442.14), dbSNP rs587778127, ClinGen allele CA387766507.
Genomic context (GRCh38, chr13:32,398,366, plus strand): 5'-TGCAAAAAGAGAAGAGCCTTGGATTTCTTGAGTAGACTGCCTTTACCTCCACCTGTTAGT[C>T]CCATTTGTACATTTGTTTCTCCGGCTGCACAGAAGGCATTTCAGCCACCAAGGAGTTGTG-3'
Protein context (NP_000050.3, residues 3275-3295): SRLPLPPPVS[Pro3285Ser]ICTFVSPAAQ

ClinVar aggregate classification (germline): Uncertain significance. Review status: criteria provided, multiple submitters, no conflicts (2 of 4 stars). 2 submissions from 2 submitters: Uncertain significance (2). Last evaluated 2025-06-27.

Conditions:
Hereditary cancer-predisposing syndrome. Also called: Neoplastic Syndromes, Hereditary; Tumor predisposition; Hereditary Cancer Syndrome; Hereditary neoplastic syndrome. Identifiers: Orphanet 140162, MedGen C0027672, MeSH D009386, MONDO:0015356.
Hereditary breast ovarian cancer syndrome. Also called: Hereditary breast and ovarian cancer syndrome; Hereditary breast and ovarian cancer; Hereditary breast and ovarian cancer syndrome (HBOC); Breast and ovarian cancer; Hereditary breast and/or ovarian cancer syndrome; BRCA1- and BRCA2-Associated Hereditary Breast and Ovarian Cancer. Identifiers: Orphanet 145, MedGen C0677776, MeSH D061325, MONDO:0003582. Disease mechanism: loss of function.

Submissions (2):

Labcorp Genetics (formerly Invitae), Labcorp
Classification: Uncertain significance for Hereditary breast ovarian cancer syndrome. Last evaluated: 2025-06-27. Review status: criteria provided, single submitter. Criteria: Invitae Variant Classification Sherloc (09022015). Collection method: clinical testing. Allele origin: germline.
Comment: This sequence change replaces proline, which is neutral and non-polar, with serine, which is neutral and polar, at codon 3285 of the BRCA2 protein (p.Pro3285Ser). This variant is not present in population databases (gnomAD no frequency). This variant has not been reported in the literature in individuals affected with BRCA2-related conditions. ClinVar contains an entry for this variant (Variation ID: 485442). Invitae Evidence Modeling of protein sequence and biophysical properties (such as structural, functional, and spatial information, amino acid conservation, physicochemical variation, residue mobility, and thermodynamic stability) indicates that this missense variant is not expected to disrupt BRCA2 protein function with a negative predictive value of 95%. In summary, the available evidence is currently insufficient to determine the role of this variant in disease. Therefore, it has been classified as a Variant of Uncertain Significance.

Ambry Genetics
Classification: Uncertain significance for Hereditary cancer-predisposing syndrome. Last evaluated: 2017-07-20. Review status: criteria provided, single submitter. Criteria: Ambry Variant Classification Scheme 2023. Collection method: clinical testing. Allele origin: germline.
Comment: The p.P3285S variant (also known as c.9853C>T), located in coding exon 26 of the BRCA2 gene, results from a C to T substitution at nucleotide position 9853. The proline at codon 3285 is replaced by serine, an amino acid with similar properties. This amino acid position is highly conserved in available vertebrate species. In addition, the in silico prediction for this alteration is inconclusive. Since supporting evidence is limited at this time, the clinical significance of this alteration remains unclear.